The following is an entry in ClinVar:

NM_000388.4(CASR):c.1430T>G (p.Val477Gly)

Gene: CASR (calcium sensing receptor; plus strand). Cytogenetic location: 3q21.1.
Variant type: single nucleotide variant.
Coding change: c.1430T>G on transcript NM_000388.4 (MANE Select); coding-DNA position 1430, T replaced by G.
Protein change: p.Val477Gly; replaces valine 477 with glycine.
Molecular consequence: missense variant.
Genome position (GRCh38, 1-based): chr3:122,275,864, T>G. VCF-style: chr3-122275864-T-G. GRCh37 (hg19) VCF-style: chr3-121994711-T-G.
Other names: c.1430T>G, p.Val477Gly (NM_001178065.2); short protein forms V477G.
Identifiers: ClinVar variation 4785137 (VCV004785137.1).
Genomic context (GRCh38, chr3:122,275,864, plus strand): 5'-CTCTTTAGGTCCTGAAGCACCTACGGCATCTAAACTTTACAAACAATATGGGGGAGCAGG[T>G]GACCTTTGATGAGTGTGGTGACCTGGTGGGGAACTATTCCATCATCAACTGGCACCTCTC-3'
Protein context (NP_000379.3, residues 467-487): LNFTNNMGEQ[Val477Gly]TFDECGDLVG

ClinVar aggregate classification (germline): Uncertain significance (1 of 4 stars; one submission).

Conditions:
Autosomal dominant hypocalcemia 1 (HYPOC1). Also called: HYPOCALCEMIA, FAMILIAL. Identifiers: MedGen C3715128, MONDO:0011013, OMIM 601198.
Familial hypocalciuric hypercalcemia (FHH). Also called: Familial benign hypercalcemia. Identifiers: Orphanet 405, MedGen C1809471, MONDO:0018458.

Submission:

Labcorp Genetics (formerly Invitae), Labcorp
Classification: Uncertain significance for Familial hypocalciuric hypercalcemia; Autosomal dominant hypocalcemia 1. Last evaluated: 2025-05-30. Review status: criteria provided, single submitter. Criteria: Invitae Variant Classification Sherloc (09022015). Collection method: clinical testing. Allele origin: germline.
Comment: This sequence change replaces valine, which is neutral and non-polar, with glycine, which is neutral and non-polar, at codon 477 of the CASR protein (p.Val477Gly). This variant is not present in population databases (gnomAD no frequency). This variant has not been reported in the literature in individuals affected with CASR-related conditions. An algorithm developed to predict the effect of missense changes on protein structure and function (PolyPhen-2) suggests that this variant is likely to be disruptive. In summary, the available evidence is currently insufficient to determine the role of this variant in disease. Therefore, it has been classified as a Variant of Uncertain Significance.